The following is an entry in ClinVar:

ClinVar aggregate classification (germline): Conflicting classifications of pathogenicity. Review status: criteria provided, conflicting classifications (1 of 4 stars). 5 submissions from 5 submitters: Uncertain significance (1); Benign (3); Likely benign (1). Last evaluated 2026-08-01.

Conditions:
Mitochondrial DNA depletion syndrome 11 (MTDPS11). Identifiers: Orphanet 352447, MedGen C3554462, MONDO:0014039, OMIM 615084.

Allele frequency attached by ClinVar (database versions not stated): 1000 Genomes Project 0.00220; 1000 Genomes Project 30x 0.00234; TOPMed 0.00296; ESP Exome Variant Server 0.00315; gnomAD 0.00433 and 0.00443.
gnomAD v4.1: 9,005 of 1,613,270 alleles (0.56%); highest among the groups gnomAD compares: Non-Finnish European, 0.63%; 41 homozygotes.

Submissions (5):

CeGaT Center for Human Genetics Tuebingen
Classification: Likely benign. Last evaluated: 2026-08-01. Review status: criteria provided, single submitter. Criteria: CeGaT Center For Human Genetics Tuebingen Variant Classification Criteria Version 2. Collection method: clinical testing. Allele origin: germline. Affected: yes. Observed: 22 variant alleles.
Comment: MGME1: BP4, BS2

Labcorp Genetics (formerly Invitae), Labcorp
Classification: Benign. Last evaluated: 2026-02-01. Review status: criteria provided, single submitter. Criteria: Invitae Variant Classification Sherloc (09022015). Collection method: clinical testing. Allele origin: germline.

Mayo Clinic Laboratories, Mayo Clinic
Classification: Benign. Last evaluated: 2023-12-07. Review status: criteria provided, single submitter. Criteria: ACMG Guidelines, 2015. Collection method: clinical testing. Allele origin: germline. Observed: 6 variant alleles.
Comment: BA1, BS2

GeneDx
Classification: Benign. Last evaluated: 2019-06-03. Review status: criteria provided, single submitter. Criteria: GeneDx Variant Classification Process June 2021. Collection method: clinical testing. Allele origin: germline. Affected: yes.
Comment: This variant is associated with the following publications: (PMID: 25058219)

Center for Pediatric Genomic Medicine, Children's Mercy Hospital and Clinics
Classification: Uncertain significance. Last evaluated: 2017-05-01. Review status: criteria provided, single submitter. Criteria: ACMG Guidelines, 2015. Collection method: clinical testing. Allele origin: germline.

Literature cited by the submitters: PubMed 25058219 (cited by Mayo Clinic Laboratories, Mayo Clinic).

NM_052865.4(MGME1):c.532C>T (p.Arg178Trp)

Gene: MGME1 (mitochondrial genome maintenance exonuclease 1; plus strand). Cytogenetic location: 20p11.23.
Variant type: single nucleotide variant.
Coding change: c.532C>T on transcript NM_052865.4 (MANE Select); coding-DNA position 532, C replaced by T.
Protein change: p.Arg178Trp; replaces arginine 178 with tryptophan.
Molecular consequence: missense variant. On other transcripts: intron variant (1).
Genome position (GRCh38, 1-based): chr20:17,975,704, C>T. VCF-style: chr20-17975704-C-T. GRCh37 (hg19) VCF-style: chr20-17956347-C-T.
Other names: p.Arg178Trp; c.577C>T, p.Arg193Trp (NM_001310338.2); c.292C>T, p.Arg98Trp (NM_001363738.2); c.511+5334C>T (NM_001310339.2); short protein forms R193W, R178W, R98W.
Identifiers: ClinVar variation 445604 (VCV000445604.41), dbSNP rs143417446, ClinGen allele CA9774969.